The following is an entry in ClinVar:

NM_000138.5(FBN1):c.2273C>G (p.Ser758Ter)

Gene: FBN1 (fibrillin 1; minus strand). Cytogenetic location: 15q21.1.
Variant type: single nucleotide variant.
Coding change: c.2273C>G on transcript NM_000138.5 (MANE Select); coding-DNA position 2273, C replaced by G.
Protein change: p.Ser758Ter; replaces serine 758 with a stop codon.
Molecular consequence: nonsense.
Genome position (GRCh38, 1-based): chr15:48,497,286, G>C on the plus strand (C>G on the coding strand, the complement: FBN1 is on the minus strand). VCF-style: chr15-48497286-G-C. GRCh37 (hg19) VCF-style: chr15-48789483-G-C.
Other names: c.2273C>G, p.Ser758Ter (NM_001406716.1); short protein forms S758*.
Identifiers: ClinVar variation 2100584 (VCV002100584.4), dbSNP rs2505576040, ClinGen allele CA392335620.

ClinVar aggregate classification (germline): Pathogenic (1 of 4 stars; one submission).

Conditions:
Familial thoracic aortic aneurysm and aortic dissection (TAAD). Also called: Thoracic aortic aneurysms and dissections. Identifiers: Orphanet 91387, MedGen C4707243, MONDO:0019625.
Marfan syndrome (MFS). Also called: MARFAN SYNDROME, TYPE I; Marfan syndrome type 1; Marfan's syndrome; Marfan syndrome, classic; FBN1-Related Marfan Syndrome. Identifiers: Orphanet 284963, Orphanet 558, MedGen C0024796, MONDO:0007947, OMIM 154700.

Submission:

Labcorp Genetics (formerly Invitae), Labcorp
Classification: Pathogenic for Marfan syndrome; Familial thoracic aortic aneurysm and aortic dissection. Last evaluated: 2022-02-20. Review status: criteria provided, single submitter. Criteria: Invitae Variant Classification Sherloc (09022015). Collection method: clinical testing. Allele origin: germline.
Comment: This variant is not present in population databases (gnomAD no frequency). This sequence change creates a premature translational stop signal (p.Ser758*) in the FBN1 gene. It is expected to result in an absent or disrupted protein product. Loss-of-function variants in FBN1 are known to be pathogenic (PMID: 17657824, 19293843). This variant has not been reported in the literature in individuals affected with FBN1-related conditions. For these reasons, this variant has been classified as Pathogenic.

Literature cited by the submitters: PubMed 17657824; PubMed 19293843.